The following is an entry in ClinVar:

ClinVar aggregate classification (germline): Pathogenic/Likely pathogenic. Review status: criteria provided, multiple submitters, no conflicts (2 of 4 stars). 6 submissions from 5 submitters: Pathogenic (3); Likely pathogenic (2). 1 of the submissions does not count toward it. Last evaluated 2025-04-21.

Conditions:
Usher syndrome type 2A. Also called: RETINAL DISEASE IN USHER SYNDROME TYPE IIA, MODIFIER OF; USHER SYNDROME, TYPE IIA. Identifiers: Orphanet 231178, Orphanet 886, MedGen C1848634, MONDO:0010169, OMIM 276901.
Retinitis pigmentosa 39 (RP39). Identifiers: Orphanet 791, MedGen C3151138, MONDO:0013436, OMIM 613809.

Submissions (6):

Labcorp Genetics (formerly Invitae), Labcorp
Classification: Pathogenic. Last evaluated: 2025-04-21. Review status: criteria provided, single submitter. Criteria: Invitae Variant Classification Sherloc (09022015). Collection method: clinical testing. Allele origin: germline.
Comment: This sequence change creates a premature translational stop signal (p.Leu2973Lysfs*79) in the USH2A gene. It is expected to result in an absent or disrupted protein product. Loss-of-function variants in USH2A are known to be pathogenic (PMID: 10729113, 10909849, 20507924, 25649381). This variant is not present in population databases (gnomAD no frequency). This premature translational stop signal has been observed in individual(s) with inherited retinal dystrophy (PMID: 25356976). For these reasons, this variant has been classified as Pathogenic.

Genome-Nilou Lab
Classification: Likely pathogenic for Retinitis pigmentosa 39. Last evaluated: 2023-11-04. Review status: criteria provided, single submitter. Criteria: ACMG Guidelines, 2015. Collection method: clinical testing. Allele origin: germline. Affected: no.

Genome-Nilou Lab
Classification: Likely pathogenic for Usher syndrome type 2A. Last evaluated: 2023-11-04. Review status: criteria provided, single submitter. Criteria: ACMG Guidelines, 2015. Collection method: clinical testing. Allele origin: germline. Affected: no.

Baylor Genetics
Classification: Pathogenic for Retinitis pigmentosa 39. Last evaluated: 2022-03-11. Review status: criteria provided, single submitter. Criteria: ACMG Guidelines, 2015. Collection method: clinical testing. Allele origin: unknown.

Institute of Medical Genetics and Applied Genomics, University Hospital Tübingen
Classification: Pathogenic. Last evaluated: 2021-06-17. Review status: criteria provided, single submitter. Criteria: ACMG Guidelines, 2015. Collection method: clinical testing. Allele origin: germline. Inheritance: Autosomal recessive inheritance. Affected: yes.

Counsyl
Classification: Likely pathogenic for Usher syndrome type 2A; Retinitis pigmentosa 39. Last evaluated: 2018-02-13. Review status: no assertion criteria provided. Collection method: clinical testing. Allele origin: unknown. Not counted in ClinVar's aggregate classification.

Literature cited by the submitters: PubMed 10729113 (cited by Labcorp Genetics (formerly Invitae), Labcorp); PubMed 10909849 (cited by Labcorp Genetics (formerly Invitae), Labcorp); PubMed 20507924 (cited by Labcorp Genetics (formerly Invitae), Labcorp); PubMed 25649381 (cited by Labcorp Genetics (formerly Invitae), Labcorp); PubMed 25356976 (cited by Labcorp Genetics (formerly Invitae), Labcorp and Counsyl).

NM_206933.4(USH2A):c.8917_8918del (p.Leu2973fs)

Gene: USH2A (usherin; minus strand). Cytogenetic location: 1q41.
Variant type: Microsatellite.
Coding change: c.8917_8918del on transcript NM_206933.4 (MANE Select); coding-DNA positions 8917 to 8918, 2 bases deleted (CT; older notation c.8917_8918delCT).
Protein change: p.Leu2973fs; shifts the reading frame from leucine 2973.
Molecular consequence: frameshift variant.
Genome position (GRCh38, 1-based): chr1:215,845,961-215,845,962, AG deleted on the plus strand (CT on the coding strand, the reverse complement: USH2A is on the minus strand); deleting any 2 consecutive bases within chr1:215,845,961-215,845,966 gives the same sequence; the c. name uses the placement nearest the transcript's 3' end. VCF-style (leftmost placement, unchanged base first): chr1-215845960-TAG-T. GRCh37 (hg19) VCF-style: chr1-216019302-TAG-T.
Other names: short protein forms L2973fs.
Identifiers: ClinVar variation 556647 (VCV000556647.11), dbSNP rs1553268582, ClinGen allele CA658823358.